The following is an entry in ClinVar:

ClinVar aggregate classification (germline): Pathogenic (0 of 4 stars; one submission).

Conditions:
Steinert myotonic dystrophy syndrome (DM1). Also called: STEINERT DISEASE; Myotonic dystrophy type 1; Dystrophia myotonica type 1; Steinert myotonic dystrophy; Steinert's disease. Identifiers: Orphanet 273, MedGen C3250443, MONDO:0008056, OMIM 160900.

Submission:

Institute of Molecular, Cell and Systems Biology, University of Glasgow
Classification: Pathogenic for Steinert myotonic dystrophy syndrome. Review status: no assertion criteria provided. Criteria: research. Collection method: research. Allele origin: germline. Inheritance: Autosomal dominant inheritance. Affected: yes. Observed: 1 heterozygote.
Comment: DMPK CTG repeat expansions greater than approximately 45-50 repeats are assumed to be pathogenic

This record is based on data published in PubMed 25052313, which reports only ClinVar accessions SCV000120188 and SCV000120189. The complete data set includes SCV000207445 - SCV000207579.

Literature cited by the submitters: PubMed 1346923; PubMed 1546326; PubMed 25052313.

NM_004409.5(DMPK):c.*224CTG[168]

Genes: DM1-AS (DM1 locus antisense RNA; plus strand), DMPK (DM1 protein kinase; minus strand), LOC107075317 (origin of replication in DMPK trinucleotide repeat region; plus strand), LOC109461477 (dystrophia myotonica protein kinase repeat instability region; plus strand). Cytogenetic location: 19q13.32.
Variant type: Microsatellite.
Coding change: c.*224CTG[168] on transcript NM_004409.5 (MANE Select); 168 copies in a row of the 3-base unit CTG starting at c.*224.
Molecular consequence: 3 prime UTR variant.
Genome position: GRCh38, VCF-style position (the base before the change): chr19:45,770,204. GRCh37 (hg19), VCF-style position (the base before the change): chr19:46,273,462.
Other names: DM1 CTG repeat expansion; c.*224CTG[168] (NM_001081560.3, NM_001288764.2, NM_001424165.1 and 1 more transcripts); c.*217CTG[168] (NM_001081562.3, NM_001288765.2, NM_001424162.1 and 2 more transcripts); c.*222_*224TGC[168] (NM_001081563.3); c.*369CTG[168] (NM_001288766.2, NM_001424164.1, NM_001424168.1).
Identifiers: ClinVar variation 187928 (VCV000187928.2), ClinGen allele CA915951724.